The following is an entry in ClinVar:

ClinVar aggregate classification (germline): Uncertain significance. Review status: criteria provided, multiple submitters, no conflicts (2 of 4 stars). 2 submissions from 2 submitters: Uncertain significance (2). Last evaluated 2024-05-31.

Conditions:
Medulloblastoma (MDB). Also called: Medulloblastoma, somatic; MEDULLOBLASTOMA PREDISPOSITION SYNDROME. Identifiers: Orphanet 616, MedGen C0025149, MeSH D008527, MONDO:0007959, OMIM 155255, HP:0002885.
Gorlin syndrome. Also called: Basal cell nevus syndrome; Nevoid Basal Cell Carcinoma Syndrome. Identifiers: Orphanet 377, MedGen C0004779, MONDO:0007187.
Hereditary cancer-predisposing syndrome. Also called: Tumor predisposition; Neoplastic Syndromes, Hereditary; Hereditary neoplastic syndrome; Hereditary Cancer Syndrome. Identifiers: Orphanet 140162, MedGen C0027672, MeSH D009386, MONDO:0015356.

Submissions (2):

Ambry Genetics
Classification: Uncertain significance for Hereditary cancer-predisposing syndrome. Last evaluated: 2024-05-31. Review status: criteria provided, single submitter. Criteria: Ambry Variant Classification Scheme 2023. Collection method: clinical testing. Allele origin: germline.
Comment: The p.E40G variant (also known as c.119A>G), located in coding exon 1 of the SUFU gene, results from an A to G substitution at nucleotide position 119. The glutamic acid at codon 40 is replaced by glycine, an amino acid with similar properties. This amino acid position is conserved. In addition, this alteration is predicted to be deleterious by in silico analysis. Based on the available evidence, the clinical significance of this variant remains unclear.

Labcorp Genetics (formerly Invitae), Labcorp
Classification: Uncertain significance for Gorlin syndrome; Medulloblastoma. Last evaluated: 2022-02-05. Review status: criteria provided, single submitter. Criteria: Invitae Variant Classification Sherloc (09022015). Collection method: clinical testing. Allele origin: germline.
Comment: In summary, the available evidence is currently insufficient to determine the role of this variant in disease. Therefore, it has been classified as a Variant of Uncertain Significance. Algorithms developed to predict the effect of missense changes on protein structure and function are either unavailable or do not agree on the potential impact of this missense change (SIFT: "Deleterious"; PolyPhen-2: "Benign"; Align-GVGD: "Class C0"). This variant has not been reported in the literature in individuals affected with SUFU-related conditions. This variant is not present in population databases (gnomAD no frequency). This sequence change replaces glutamic acid, which is acidic and polar, with glycine, which is neutral and non-polar, at codon 40 of the SUFU protein (p.Glu40Gly).

NM_016169.4(SUFU):c.119A>G (p.Glu40Gly)

Gene: SUFU (SUFU negative regulator of hedgehog signaling; plus strand). Cytogenetic location: 10q24.32.
Variant type: single nucleotide variant.
Coding change: c.119A>G on transcript NM_016169.4 (MANE Select); coding-DNA position 119, A replaced by G.
Protein change: p.Glu40Gly; replaces glutamic acid 40 with glycine.
Molecular consequence: missense variant.
Genome position (GRCh38, 1-based): chr10:102,504,271, A>G. VCF-style: chr10-102504271-A-G. GRCh37 (hg19) VCF-style: chr10-104264028-A-G.
Other names: c.119A>G, p.Glu40Gly (NM_001178133.2); short protein forms E40G.
Identifiers: ClinVar variation 2093517 (VCV002093517.5), dbSNP rs2135598325, ClinGen allele CA377886541.